The following is an entry in ClinVar:

NM_003839.4(TNFRSF11A):c.68G>A (p.Arg23Gln)

Gene: TNFRSF11A (TNF receptor superfamily member 11a; plus strand). Cytogenetic location: 18q21.33.
Variant type: single nucleotide variant.
Coding change: c.68G>A on transcript NM_003839.4 (MANE Select); coding-DNA position 68, G replaced by A.
Protein change: p.Arg23Gln; replaces arginine 23 with glutamine.
Molecular consequence: missense variant.
Genome position (GRCh38, 1-based): chr18:62,325,420, G>A. VCF-style: chr18-62325420-G-A. GRCh37 (hg19) VCF-style: chr18-59992653-G-A.
Other names: c.68G>A, p.Arg23Gln (NM_001270949.2, NM_001270950.2, NM_001270951.2 and 1 more transcripts); short protein forms R23Q.
Identifiers: ClinVar variation 327725 (VCV000327725.22), dbSNP rs886054083, ClinGen allele CA10648056.

ClinVar aggregate classification (germline): Uncertain significance. Review status: criteria provided, multiple submitters, no conflicts (2 of 4 stars). 4 submissions from 3 submitters: Uncertain significance (4). Last evaluated 2024-10-01.

Conditions:
Autosomal recessive osteopetrosis 7. Identifiers: Orphanet 178389, MedGen C2676766, MONDO:0012859, OMIM 612301.
Paget disease of bone 2, early-onset (PDB2). Also called: Paget disease of bone 2. Identifiers: MedGen C4085251, MONDO:0011183, OMIM 602080.

gnomAD v4.1: 8 of 1,259,646 alleles (0.00064%); highest among the groups gnomAD compares: Non-Finnish European, 0.00081%; no homozygotes.

Submissions (4):

CeGaT Center for Human Genetics Tuebingen
Classification: Uncertain significance. Last evaluated: 2024-10-01. Review status: criteria provided, single submitter. Criteria: CeGaT Center For Human Genetics Tuebingen Variant Classification Criteria Version 2. Collection method: clinical testing. Allele origin: germline. Affected: yes. Observed: 1 variant allele.
Comment: TNFRSF11A: PM2

Labcorp Genetics (formerly Invitae), Labcorp
Classification: Uncertain significance. Last evaluated: 2023-01-13. Review status: criteria provided, single submitter. Criteria: Invitae Variant Classification Sherloc (09022015). Collection method: clinical testing. Allele origin: germline.
Comment: Advanced modeling of protein sequence and biophysical properties (such as structural, functional, and spatial information, amino acid conservation, physicochemical variation, residue mobility, and thermodynamic stability) performed at Invitae indicates that this missense variant is not expected to disrupt TNFRSF11A protein function. This sequence change replaces arginine, which is basic and polar, with glutamine, which is neutral and polar, at codon 23 of the TNFRSF11A protein (p.Arg23Gln). This variant is not present in population databases (gnomAD no frequency). This variant has not been reported in the literature in individuals affected with TNFRSF11A-related conditions. ClinVar contains an entry for this variant (Variation ID: 327725). In summary, the available evidence is currently insufficient to determine the role of this variant in disease. Therefore, it has been classified as a Variant of Uncertain Significance.

Illumina Laboratory Services, Illumina
Classification: Uncertain significance for Paget disease of bone 2, early-onset. Last evaluated: 2018-01-12. Review status: criteria provided, single submitter. Criteria: ICSL Variant Classification Criteria 13 December 2019. Collection method: clinical testing. Allele origin: germline.

Illumina Laboratory Services, Illumina
Classification: Uncertain significance for Autosomal recessive osteopetrosis 7. Last evaluated: 2018-01-12. Review status: criteria provided, single submitter. Criteria: ICSL Variant Classification Criteria 13 December 2019. Collection method: clinical testing. Allele origin: germline.